The following is an entry in ClinVar:

ClinVar aggregate classification (germline): Uncertain significance. Review status: criteria provided, multiple submitters, no conflicts (2 of 4 stars). 2 submissions from 2 submitters: Uncertain significance (2). Last evaluated 2025-08-24.

Conditions:
Inborn genetic diseases. Identifiers: MedGen C0950123, MeSH D030342.

Allele frequency attached by ClinVar (database versions not stated): TOPMed 0.00002.
gnomAD v4.1: 2 of 1,613,744 alleles (0.00012%); highest among the groups gnomAD compares: African/African-American, 0.0013%; no homozygotes.

Submissions (2):

Ambry Genetics
Classification: Uncertain significance for Inborn genetic diseases. Last evaluated: 2025-08-24. Review status: criteria provided, single submitter. Criteria: Ambry Variant Classification Scheme 2023. Collection method: clinical testing. Allele origin: germline.

Labcorp Genetics (formerly Invitae), Labcorp
Classification: Uncertain significance. Last evaluated: 2021-03-08. Review status: criteria provided, single submitter. Criteria: Invitae Variant Classification Sherloc (09022015). Collection method: clinical testing. Allele origin: germline.
Comment: This sequence change replaces alanine with threonine at codon 447 of the EFEMP1 protein (p.Ala447Thr). The alanine residue is highly conserved and there is a small physicochemical difference between alanine and threonine. This variant is not present in population databases (ExAC no frequency). This variant has not been reported in the literature in individuals with EFEMP1-related conditions. Algorithms developed to predict the effect of missense changes on protein structure and function are either unavailable or do not agree on the potential impact of this missense change (SIFT: "Deleterious"; PolyPhen-2: "Possibly Damaging"; Align-GVGD: "Class C0"). In summary, the available evidence is currently insufficient to determine the role of this variant in disease. Therefore, it has been classified as a Variant of Uncertain Significance.

NM_001039348.3(EFEMP1):c.1339G>A (p.Ala447Thr)

Gene: EFEMP1 (EGF-like fibulin extracellular matrix protein 1; minus strand). Cytogenetic location: 2p16.1.
Variant type: single nucleotide variant.
Coding change: c.1339G>A on transcript NM_001039348.3 (MANE Select); coding-DNA position 1339, G replaced by A.
Protein change: p.Ala447Thr; replaces alanine 447 with threonine.
Molecular consequence: missense variant.
Genome position (GRCh38, 1-based): chr2:55,867,216, C>T on the plus strand (G>A on the coding strand, the complement: EFEMP1 is on the minus strand). VCF-style: chr2-55867216-C-T. GRCh37 (hg19) VCF-style: chr2-56094351-C-T.
Other names: c.1339G>A, p.Ala447Thr (NM_001039349.3); c.1339G>A (NM_001039348.2); short protein forms A447T.
Identifiers: ClinVar variation 1009124 (VCV001009124.9), dbSNP rs746366927, ClinGen allele CA48122840.
Genomic context (GRCh38, chr2:55,867,216, plus strand): 5'-TCTCCAGGTCCACGATATGTTCTCTTGGTCCTGATAATGACTTCACGAGCACAAGCATTG[C>T]ACTTACAGGACTTGTTTGCTAAAATAAAAGAAAATAGAGAAAGGAAGAGAATAATTTTCT-3'
Protein context (NP_001034437.1, residues 437-457): FYLRQTSPVS[Ala447Thr]MLVLVKSLSG